The following is an entry in ClinVar:

ClinVar aggregate classification (germline): Conflicting classifications of pathogenicity. Review status: criteria provided, conflicting classifications (1 of 4 stars). 3 submissions from 3 submitters: Uncertain significance (1); Likely benign (2). Last evaluated 2025-09-04.

Conditions:
KCNQ4-related disorder. Also called: KCNQ4-related condition.
Inborn genetic diseases. Identifiers: MedGen C0950123, MeSH D030342.

Allele frequency attached by ClinVar (database versions not stated): gnomAD 0.00002; TOPMed 0.00005; ExAC 0.00021.

Submissions (3):

Labcorp Genetics (formerly Invitae), Labcorp
Classification: Likely benign. Last evaluated: 2025-09-04. Review status: criteria provided, single submitter. Criteria: Invitae Variant Classification Sherloc (09022015). Collection method: clinical testing. Allele origin: germline.

PreventionGenetics, part of Exact Sciences
Classification: Likely benign for KCNQ4-related condition. Last evaluated: 2024-10-21. Review status: criteria provided, single submitter. Criteria: ACMG Guidelines, 2015. Collection method: clinical testing. Allele origin: germline.
Comment: This variant is classified as likely benign based on ACMG/AMP sequence variant interpretation guidelines (Richards et al. 2015 PMID: 25741868, with internal and published modifications).

Ambry Genetics
Classification: Uncertain significance for Inborn genetic diseases. Last evaluated: 2024-04-23. Review status: criteria provided, single submitter. Criteria: Ambry Variant Classification Scheme 2023. Collection method: clinical testing. Allele origin: germline.

NM_004700.4(KCNQ4):c.1273T>G (p.Ser425Ala)

Gene: KCNQ4 (potassium voltage-gated channel subfamily Q member 4; plus strand). Cytogenetic location: 1p34.2.
Variant type: single nucleotide variant.
Coding change: c.1273T>G on transcript NM_004700.4 (MANE Select); coding-DNA position 1273, T replaced by G.
Protein change: p.Ser425Ala; replaces serine 425 with alanine.
Molecular consequence: missense variant. On other transcripts: intron variant (1).
Genome position (GRCh38, 1-based): chr1:40,824,239, T>G. VCF-style: chr1-40824239-T-G. GRCh37 (hg19) VCF-style: chr1-41289911-T-G.
Other names: c.1130+1837T>G (NM_172163.3); c.1273T>G (NM_004700.3); short protein forms S425A.
Identifiers: ClinVar variation 2201301 (VCV002201301.6), dbSNP rs781424101, ClinGen allele CA794822.
Genomic context (GRCh38, chr1:40,824,239, plus strand): 5'-CCCGACGGAGCACCCTCCCGTTACCCGCCCGTTGCCACCTGCCACCGGCCGGGCAGCACC[T>G]CCTTCTGCCCTGGGGAAAGGTAGGGGCCCCGTGGGGCTGCCACCTCCTCTTGCTTCTCCT-3'
Protein context (NP_004691.2, residues 415-435): VATCHRPGST[Ser425Ala]FCPGESSRMG